The following is an entry in ClinVar:

NM_032578.4(MYPN):c.724G>A (p.Ala242Thr)

Gene: MYPN (myopalladin; plus strand). Cytogenetic location: 10q21.3.
Variant type: single nucleotide variant.
Coding change: c.724G>A on transcript NM_032578.4 (MANE Select); coding-DNA position 724, G replaced by A.
Protein change: p.Ala242Thr; replaces alanine 242 with threonine.
Molecular consequence: missense variant. On other transcripts: 5 prime UTR variant (1), non-coding transcript variant (1).
Genome position (GRCh38, 1-based): chr10:68,122,162, G>A. VCF-style: chr10-68122162-G-A. GRCh37 (hg19) VCF-style: chr10-69881919-G-A.
Other names: c.724G>A, p.Ala242Thr (NM_001256267.2); c.-399G>A (NM_001256268.2); short protein forms A242T.
Identifiers: ClinVar variation 1365428 (VCV001365428.8), dbSNP rs779283631, ClinGen allele CA209185537.

ClinVar aggregate classification (germline): Uncertain significance (1 of 4 stars; one submission).

Conditions:
Dilated cardiomyopathy 1KK (CMD1KK). Identifiers: Orphanet 154, Orphanet 75249, MedGen C3714995, MONDO:0014100, OMIM 615248.

Allele frequency attached by ClinVar (database versions not stated): gnomAD exomes below 0.00001.
gnomAD v4.1: 1 of 1,611,774 alleles (0.000062%); highest among the groups gnomAD compares: Non-Finnish European, 0.000085%; no homozygotes.

Submission:

Labcorp Genetics (formerly Invitae), Labcorp
Classification: Uncertain significance for Dilated cardiomyopathy 1KK. Last evaluated: 2021-07-07. Review status: criteria provided, single submitter. Criteria: Invitae Variant Classification Sherloc (09022015). Collection method: clinical testing. Allele origin: germline.
Comment: In summary, the available evidence is currently insufficient to determine the role of this variant in disease. Therefore, it has been classified as a Variant of Uncertain Significance. This sequence change replaces alanine with threonine at codon 242 of the MYPN protein (p.Ala242Thr). The alanine residue is moderately conserved and there is a small physicochemical difference between alanine and threonine. This variant is not present in population databases (ExAC no frequency). This variant has not been reported in the literature in individuals affected with MYPN-related conditions. Algorithms developed to predict the effect of missense changes on protein structure and function output the following: SIFT: "Tolerated"; PolyPhen-2: "Benign"; Align-GVGD: "Class C0". The threonine amino acid residue is found in multiple mammalian species, which suggests that this missense change does not adversely affect protein function.